The following is an entry in ClinVar:

NM_000152.5(GAA):c.1438-2A>C

Gene: GAA (alpha glucosidase; plus strand). Cytogenetic location: 17q25.3.
Variant type: single nucleotide variant.
Coding change: c.1438-2A>C on transcript NM_000152.5 (MANE Select); the canonical splice acceptor site of the intron before coding-DNA position 1438, A replaced by C.
Molecular consequence: splice acceptor variant.
Genome position (GRCh38, 1-based): chr17:80,110,725, A>C. VCF-style: chr17-80110725-A-C. GRCh37 (hg19) VCF-style: chr17-78084524-A-C.
Other names: c.1438-2A>C (NM_001406741.1, NM_001406742.1, NM_001079803.3 and 1 more transcripts).
Identifiers: ClinVar variation 1322957 (VCV001322957.4), dbSNP rs1555600730, ClinGen allele CA401366753.

ClinVar aggregate classification (germline): Likely pathogenic. Review status: reviewed by expert panel (3 of 4 stars). 2 submissions from 2 submitters: Likely pathogenic (1). 1 of the submissions does not count toward it. Last evaluated 2026-01-27.

Conditions:
Glycogen storage disease, type II (IOPD). Also called: ACID ALPHA-GLUCOSIDASE DEFICIENCY, INFANTILE-ONSET; GAA DEFICIENCY, INFANTILE-ONSET; ACID MALTASE DEFICIENCY, INFANTILE-ONSET; POMPE DISEASE, INFANTILE-ONSET; GLYCOGEN STORAGE DISEASE II, INFANTILE-ONSET; Glucosidase acid-1,4-alpha deficiency. Identifiers: Orphanet 365, MedGen C0017921, MONDO:0009290, OMIM 232300.

Submissions (2):

ClinGen Lysosomal Storage Disorder Variant Curation Expert Panel
Classification: Likely pathogenic for Glycogen storage disease, type II. Last evaluated: 2026-01-27. Review status: reviewed by expert panel. Criteria: clingen_lsd_acmg_specifications_v2-1. Collection method: curation. Allele origin: germline. Inheritance: Autosomal recessive inheritance.
Comment: The NM_000152.5:c.1438-2A>C variant in GAA is an intronic variant which occurs within intron 9 and is predicted to impact splicing by disrupting the canonical acceptor splice site and causing skipping of exon 10. Exon 10 forms part of the GAA catalytic barrel, including two residues, Trp481 and Trp516, which are part of the GAA active site (PMIDs 29061980, 22253258, DOI 10.1101/212837). Therefore, loss of this exon is expected to abolish GAA activity, and PVS1 is applied. The variant is absent in gnomAD v4.1.0, meeting PM2_Supporting. There is a variant c.1438-2A>G at the same nucleotide position with same predicted impact classified as pathogenic for Pompe disease by the ClinGen Lysosomal Diseases VCEP (Variation ID: 526521) (PS1_Supporting). There is a ClinVar entry for this variant (Variation ID: 1322957, 1 star review status) with 1 submitter classifying as pathogenic. GAA-specific ACMG/AMP criteria met, as specified by the ClinGen LD VCEP: PVS1, PM2_Supporting, PS1_Supporting. While this variant meets the criteria to be classified as pathogenic for Pompe disease, the classification has been downgraded to likely pathogenic due to lack of any reports on an affected individuals with this variant or any functional or RT-PCR data. (Classification approved by the Clingen Lysosomal Diseases Variant Curation Expert Panel on January 27, 2026)

Revvity Omics, Revvity
Classification: Pathogenic. Last evaluated: 2020-03-12. Review status: criteria provided, single submitter. Criteria: ACMG Guidelines, 2015. Collection method: clinical testing. Allele origin: germline. Not counted in ClinVar's aggregate classification.